The following is an entry in ClinVar:

ClinVar aggregate classification (germline): Uncertain significance (1 of 4 stars; one submission).

Conditions:
Cerebral cavernous malformation 2. Also called: Familial Cerebral Cavernous Malformation 2. Identifiers: Orphanet 221061, MedGen C1864041, MONDO:0011304, OMIM 603284.

Submission:

Labcorp Genetics (formerly Invitae), Labcorp
Classification: Uncertain significance for Cerebral cavernous malformation 2. Last evaluated: 2024-02-27. Review status: criteria provided, single submitter. Criteria: Invitae Variant Classification Sherloc (09022015). Collection method: clinical testing. Allele origin: germline.
Comment: This sequence change falls in intron 1 of the CCM2 gene. It does not directly change the encoded amino acid sequence of the CCM2 protein. This variant is not present in population databases (gnomAD no frequency). This variant has not been reported in the literature in individuals affected with CCM2-related conditions. Algorithms developed to predict the effect of sequence changes on RNA splicing suggest that this variant may disrupt the consensus splice site. In summary, the available evidence is currently insufficient to determine the role of this variant in disease. Therefore, it has been classified as a Variant of Uncertain Significance.

NM_031443.4(CCM2):c.31-11T>G

Gene: CCM2 (CCM2 scaffold protein; plus strand). Cytogenetic location: 7p13.
Variant type: single nucleotide variant.
Coding change: c.31-11T>G on transcript NM_031443.4 (MANE Select); 11 bases into the intron before coding-DNA position 31, T replaced by G.
Molecular consequence: intron variant.
Genome position (GRCh38, 1-based): chr7:45,038,242, T>G. VCF-style: chr7-45038242-T-G. GRCh37 (hg19) VCF-style: chr7-45077841-T-G.
Other names: c.31-11T>G (NM_001363458.2, NM_001167935.2); c.31-25676T>G (NM_001363459.2, NM_001167934.2); c.94-11T>G (NM_001029835.2).
Identifiers: ClinVar variation 3643504 (VCV003643504.2).